The following is an entry in ClinVar:

ClinVar aggregate classification (germline): Uncertain significance (1 of 4 stars; one submission).

Submission:

Ambry Genetics
Classification: Uncertain significance. Last evaluated: 2025-02-02. Review status: criteria provided, single submitter. Criteria: Ambry Variant Classification Scheme 2023. Collection method: clinical testing. Allele origin: germline.
Comment: The p.D155G variant (also known as c.464A>G), located in coding exon 3 of the GEN1 gene, results from an A to G substitution at nucleotide position 464. The aspartic acid at codon 155 is replaced by glycine, an amino acid with similar properties. This amino acid position is conserved. In addition, this alteration is predicted to be deleterious by in silico analysis. Based on the available evidence, the clinical significance of this variant remains unclear.

NM_001130009.3(GEN1):c.464A>G (p.Asp155Gly)

Gene: GEN1 (GEN1 Holliday junction 5' flap endonuclease; plus strand). Cytogenetic location: 2p24.2.
Variant type: single nucleotide variant.
Coding change: c.464A>G on transcript NM_001130009.3 (MANE Select); coding-DNA position 464, A replaced by G.
Protein change: p.Asp155Gly; replaces aspartic acid 155 with glycine.
Molecular consequence: missense variant.
Genome position (GRCh38, 1-based): chr2:17,765,012, A>G. VCF-style: chr2-17765012-A-G. GRCh37 (hg19) VCF-style: chr2-17946279-A-G.
Other names: c.464A>G, p.Asp155Gly (NM_182625.5); short protein forms D155G.
Identifiers: ClinVar variation 3853542 (VCV003853542.1).